The following is an entry in ClinVar:

NM_013435.3(RAX):c.148A>C (p.Thr50Pro)

Gene: RAX (retina and anterior neural fold homeobox; minus strand). Cytogenetic location: 18q21.32.
Variant type: single nucleotide variant.
Coding change: c.148A>C on transcript NM_013435.3 (MANE Select); coding-DNA position 148, A replaced by C.
Protein change: p.Thr50Pro; replaces threonine 50 with proline.
Molecular consequence: missense variant.
Genome position (GRCh38, 1-based): chr18:59,273,059, T>G on the plus strand (A>C on the coding strand, the complement: RAX is on the minus strand). VCF-style: chr18-59273059-T-G. GRCh37 (hg19) VCF-style: chr18-56940291-T-G.
Other names: short protein forms T50P.
Identifiers: ClinVar variation 707012 (VCV000707012.28), dbSNP rs150622912, ClinGen allele CA8979425.
Genomic context (GRCh38, chr18:59,273,059, plus strand): 5'-GCGCGCCCAGCCTCCTATCCCGCTCCTTCGCGCCCCGGGCGCCCCGCTCCGCCGGGAAGG[T>G]GCCGAGGATCCCGTCGTCCTTGGTAAACCCCAGGATGGCCTCGATGCTGTGAAGTCGCGA-3'
Protein context (NP_038463.2, residues 40-60): GFTKDDGILG[Thr50Pro]FPAERGARGA

ClinVar aggregate classification (germline): Benign/Likely benign. Review status: criteria provided, multiple submitters, no conflicts (2 of 4 stars). 5 submissions from 5 submitters: Benign (3); Likely benign (2). Last evaluated 2025-12-27.

Conditions:
Isolated microphthalmia 3 (MCOPS16). Also called: MICROPHTHALMIA, SYNDROMIC 16. Identifiers: Orphanet 2542, MedGen C5774181, MONDO:0012604, OMIM 611038.

Allele frequency attached by ClinVar (database versions not stated): gnomAD exomes 0.00104 and 0.00247; ExAC 0.00403; ESP Exome Variant Server 0.00973; gnomAD 0.01004 and 0.01073; 1000 Genomes Project 30x 0.01046; 1000 Genomes Project 0.01098; TOPMed 0.01139.
gnomAD v4.1: 3,064 of 1,534,878 alleles (0.2%); highest among the groups gnomAD compares: African/African-American, 3.5%; 36 homozygotes.

Submissions (5):

Labcorp Genetics (formerly Invitae), Labcorp
Classification: Benign for Isolated microphthalmia 3. Last evaluated: 2025-12-27. Review status: criteria provided, single submitter. Criteria: Invitae Variant Classification Sherloc (09022015). Collection method: clinical testing. Allele origin: germline.

CeGaT Center for Human Genetics Tuebingen
Classification: Benign. Last evaluated: 2024-09-01. Review status: criteria provided, single submitter. Criteria: CeGaT Center For Human Genetics Tuebingen Variant Classification Criteria Version 2. Collection method: clinical testing. Allele origin: germline. Affected: yes. Observed: 1 variant allele.
Comment: RAX: BS1, BS2

GeneDx
Classification: Likely benign. Last evaluated: 2019-10-21. Review status: criteria provided, single submitter. Criteria: GeneDx Variant Classification Process June 2021. Collection method: clinical testing. Allele origin: germline. Affected: yes.
Comment: This variant is associated with the following publications: (PMID: 27884173, 20494911)

Illumina Laboratory Services, Illumina
Classification: Benign for Isolated microphthalmia 3. Last evaluated: 2017-04-28. Review status: criteria provided, single submitter. Criteria: ICSL Variant Classification Criteria 13 December 2019. Collection method: clinical testing. Allele origin: germline.
Comment: This variant was observed as part of a predisposition screen in an ostensibly healthy population. A literature search was performed for the gene, cDNA change, and amino acid change (where applicable). Publications were found based on this search. The evidence from the literature, in combination with allele frequency data from public databases where available, was sufficient to rule this variant out of causing disease. Therefore, this variant is classified as benign.

Breakthrough Genomics
Classification: Likely benign. Review status: criteria provided, single submitter. Criteria: ACMG Guidelines, 2015. Collection method: not provided. Allele origin: germline. Inheritance: Autosomal recessive inheritance. Affected: yes.

Literature cited by the submitters: PubMed 20494911 (cited by Illumina Laboratory Services, Illumina).